The following is an entry in ClinVar:

NM_001267550.2(TTN):c.77610del (p.Thr25871fs)

Genes: TTN (titin; minus strand), TTN-AS1 (TTN antisense RNA 1; plus strand). Cytogenetic location: 2q31.2.
Variant type: Deletion.
Coding change: c.77610del on transcript NM_001267550.2 (MANE Select); coding-DNA position 77610, one base deleted (C; older notation c.77610delC).
Protein change: p.Thr25871fs; shifts the reading frame from threonine 25871.
Molecular consequence: frameshift variant.
Genome position (GRCh38, 1-based): chr2:178,568,522, G deleted on the plus strand (C on the coding strand, the reverse complement: TTN is on the minus strand). VCF-style (leftmost placement, unchanged base first): chr2-178568521-TG-T. GRCh37 (hg19) VCF-style: chr2-179433248-TG-T.
Other names: NM_001267550.2(TTN):c.77610del; p.Thr25871fs; c.72687del, p.Thr24230fs (NM_001256850.1); c.50415del, p.Thr16806fs (NM_003319.4); c.69906del, p.Thr23303fs (NM_133378.4); c.50790del, p.Thr16931fs (NM_133432.3); c.50991del, p.Thr16998fs (NM_133437.4); short protein forms T16806fs, T16931fs, T24230fs, T25871fs, T16998fs, T23303fs.
Identifiers: ClinVar variation 958928 (VCV000958928.12), dbSNP rs1706840484, ClinGen allele CA1139657406.

ClinVar aggregate classification (germline): Pathogenic/Likely pathogenic. Review status: criteria provided, multiple submitters, no conflicts (2 of 4 stars). 3 submissions from 3 submitters: Pathogenic (1); Likely pathogenic (2). Last evaluated 2026-03-05.

Conditions:
Autosomal recessive limb-girdle muscular dystrophy type 2J (LGMDR10). Also called: MUSCULAR DYSTROPHY, LIMB-GIRDLE, AUTOSOMAL RECESSIVE 10; Limb-girdle muscular dystrophy, type 2J. Identifiers: Orphanet 140922, MedGen C1837342, MONDO:0012127, OMIM 608807.
Dilated cardiomyopathy 1G (CMD1G). Identifiers: Orphanet 154, MedGen C1858763, MONDO:0011400, OMIM 604145.
Primary familial dilated cardiomyopathy (FDC). Also called: Familial dilated cardiomyopathy; Hypokinetic dilated cardiomyopathy, familial. Identifiers: Orphanet 217607, MedGen C0340427, MONDO:0016333.
Primary dilated cardiomyopathy (DCM). Also called: Dilated Cardiomyopathy. Identifiers: Orphanet 217604, MedGen C0007193, MeSH D002311, MONDO:0005021, HP:0001644. Inheritance: Various modes of inheritance.

Submissions (3):

Broad Center for Mendelian Genomics, Broad Institute of MIT and Harvard
Classification: Pathogenic for Primary familial dilated cardiomyopathy. Last evaluated: 2026-03-05. Review status: criteria provided, single submitter. Criteria: ACMG Guidelines, 2015. Collection method: research. Allele origin: germline. Study: GREGoR Consortium.
Comment: The p.Thr25871GlnfsX16 variant was absent from large population studies, but has been reported in ClinVar (Variation ID 958928). This variant is predicted to cause a frameshift, which alters the protein's amino acid sequence beginning at position 25871 leading to a premature termination codon 16 amino acids downstream. TTN truncating variants encoded in constitutive exons (PSI >95%} have been found to be significantly associated with dilated cardiomyopathy (DCM}, regardless of their position in Titin (Roberts 2015 PMID:25589632, Schafer 2017 PMID:27869827). This variant is located in a highly expressed exon in the A-band. Truncating variants in this region of TTN have also been implicated skeletal muscle myopathy with either autosomal recessive inheritance (Ceyhan-Birsoy 2013 PMID: 23975875} or digenic inheritance when they co-occur with pathogenic variants in the SRPK3 gene (Topf 2024 PMID: 38429495). In summary, although additional studies are required to fully establish its clinical significance, this variant meets criteria to be classified as likely pathogenic for autosomal dominant DCM, autosomal recessive centronuclear myopathy, and digenic skeletal myopathy with SRPK3. ACMG/AMP Criteria applied: PVSl, PM2_supporting, PS2_supporting.

Laboratory for Molecular Medicine, Mass General Brigham Personalized Medicine
Classification: Likely pathogenic for Primary dilated cardiomyopathy. Last evaluated: 2024-04-12. Review status: criteria provided, single submitter. Criteria: ACMG Guidelines, 2015. Collection method: clinical testing. Allele origin: germline. Inheritance: Autosomal dominant inheritance.
Comment: The p.Thr25871GlnfsX16 variant was absent from large population studies, but has been reported in ClinVar (Variation ID 958928). This variant is predicted to cause a frameshift, which alters the protein’s amino acid sequence beginning at position 25871 leading to a premature termination codon 16 amino acids downstream. TTN truncating variants encoded in constitutive exons (PSI >95%) have been found to be significantly associated with dilated cardiomyopathy (DCM), regardless of their position in Titin (Roberts 2015 PMID:25589632, Schafer 2017 PMID:27869827). This variant is located in a highly expressed exon in the A-band. Truncating variants in this region of TTN have also been implicated skeletal muscle myopathy with either autosomal recessive inheritance (Ceyhan-Birsoy 2013 PMID: 23975875) or digenic inheritance when they co-occur with pathogenic variants in the SRPK3 gene (Töpf 2024 PMID: 38429495). In summary, although additional studies are required to fully establish its clinical significance, this variant meets criteria to be classified as likely pathogenic for autosomal dominant DCM, autosomal recessive centronuclear myopathy, and digenic skeletal myopathy with SRPK3. ACMG/AMP Criteria applied: PVS1, PM2_supporting, PS2_supporting.

Labcorp Genetics (formerly Invitae), Labcorp
Classification: Likely pathogenic for Dilated cardiomyopathy 1G; Autosomal recessive limb-girdle muscular dystrophy type 2J. Last evaluated: 2019-10-30. Review status: criteria provided, single submitter. Criteria: Invitae Variant Classification Sherloc (09022015). Collection method: clinical testing. Allele origin: germline.
Comment: This sequence change results in a premature translational stop signal in the TTN gene (p.Thr25871Glnfs*16). While this is not anticipated to result in nonsense mediated decay, it is expected to create a truncated TTN protein. This variant is not present in population databases (ExAC no frequency). This variant has not been reported in the literature in individuals with TTN-related conditions. This variant is located in the A band of TTN (PMID: 25589632). Truncating variants in this region are significantly overrepresented in patients affected with dilated cardiomyopathy (PMID: 25589632). Truncating variants in this region have also been reported in individuals affected with autosomal recessive centronuclear myopathy (PMID: 23975875). In summary, the currently available evidence indicates that the variant is pathogenic, but additional data are needed to prove that conclusively. Therefore, this variant has been classified as Likely Pathogenic.

Literature cited by the submitters: PubMed 38429495 (cited by Laboratory for Molecular Medicine, Mass General Brigham Personalized Medicine); PubMed 25589632 (cited by Labcorp Genetics (formerly Invitae), Labcorp); PubMed 23975875 (cited by Labcorp Genetics (formerly Invitae), Labcorp).